The following is an entry in ClinVar:

NM_201384.3(PLEC):c.6709A>G (p.Met2237Val)

Gene: PLEC (plectin; minus strand). Cytogenetic location: 8q24.3.
Variant type: single nucleotide variant.
Coding change: c.6709A>G on transcript NM_201384.3 (MANE Select); coding-DNA position 6709, A replaced by G.
Protein change: p.Met2237Val; replaces methionine 2237 with valine.
Molecular consequence: missense variant. On other transcripts: intron variant (1).
Genome position (GRCh38, 1-based): chr8:143,923,220, T>C on the plus strand (A>G on the coding strand, the complement: PLEC is on the minus strand). VCF-style: chr8-143923220-T-C. GRCh37 (hg19) VCF-style: chr8-144997388-T-C.
Other names: c.6667A>G, p.Met2223Val (NM_201378.4); c.6643A>G, p.Met2215Val (NM_201379.3); c.7120A>G, p.Met2374Val (NM_201380.4); c.6613A>G, p.Met2205Val (NM_201381.3); c.6709A>G, p.Met2237Val (NM_201382.4); c.6721A>G, p.Met2241Val (NM_201383.3); c.4126-825A>G (NM_001410941.1); c.6790A>G, p.Met2264Val (NM_000445.5); short protein forms M2223V, M2374V, M2241V, M2215V, M2205V, M2237V, M2264V.
Identifiers: ClinVar variation 2930134 (VCV002930134.3), dbSNP rs782664082, ClinGen allele CA4925889.

ClinVar aggregate classification (germline): Uncertain significance (1 of 4 stars; one submission).

Conditions:
Epidermolysis bullosa simplex with nail dystrophy (EBS5D). Identifiers: MedGen C4225309, MONDO:0014661, OMIM 616487.
Epidermolysis bullosa simplex 5B, with muscular dystrophy (EBS5B). Also called: EPIDERMOLYSIS BULLOSA SIMPLEX AND LIMB-GIRDLE MUSCULAR DYSTROPHY; Epidermolysis bullosa simplex with muscular dystrophy. Identifiers: Orphanet 257, MedGen C2931072, MONDO:0009181, OMIM 226670.
Epidermolysis bullosa simplex 5C, with pyloric atresia (EBS5C). Also called: PLEC-Related Epidermolysis Bullosa with Pyloric Atresia; Epidermolysis bullosa simplex with pyloric atresia; PLEC1-Related Epidermolysis Bullosa with Pyloric Atresia. Identifiers: Orphanet 158684, MedGen C2677349, MONDO:0012807, OMIM 612138.
Autosomal recessive limb-girdle muscular dystrophy type 2Q (LGMDR17). Also called: MUSCULAR DYSTROPHY, LIMB-GIRDLE, AUTOSOMAL RECESSIVE 17. Identifiers: Orphanet 254361, MedGen C3150989, MONDO:0013390, OMIM 613723.
Epidermolysis bullosa simplex, Ogna type (EBS5A). Also called: Pidermolysis bullosa simplex 5A, Ogna type; EPIDERMOLYSIS BULLOSA SIMPLEX 5A, OGNA TYPE. Identifiers: Orphanet 79401, MedGen C0432317, MONDO:0007555, OMIM 131950.

Allele frequency attached by ClinVar (database versions not stated): gnomAD exomes below 0.00001; ExAC 0.00001.
gnomAD v4.1: 2 of 1,603,204 alleles (0.00012%); highest among the groups gnomAD compares: Non-Finnish European, 0.00017%; no homozygotes.

Submission:

Labcorp Genetics (formerly Invitae), Labcorp
Classification: Uncertain significance for Autosomal recessive limb-girdle muscular dystrophy type 2Q; Epidermolysis bullosa simplex, Ogna type; Epidermolysis bullosa simplex with nail dystrophy; Epidermolysis bullosa simplex 5C, with pyloric atresia; Epidermolysis bullosa simplex 5B, with muscular dystrophy. Last evaluated: 2024-03-29. Review status: criteria provided, single submitter. Criteria: Invitae Variant Classification Sherloc (09022015). Collection method: clinical testing. Allele origin: germline.
Comment: This sequence change replaces methionine, which is neutral and non-polar, with valine, which is neutral and non-polar, at codon 2264 of the PLEC protein (p.Met2264Val). The frequency data for this variant in the population databases is considered unreliable, as metrics indicate poor data quality at this position in the gnomAD database. This variant has not been reported in the literature in individuals affected with PLEC-related conditions. An algorithm developed to predict the effect of missense changes on protein structure and function (PolyPhen-2) suggests that this variant is likely to be disruptive. In summary, the available evidence is currently insufficient to determine the role of this variant in disease. Therefore, it has been classified as a Variant of Uncertain Significance.